The following is an entry in ClinVar:

NM_001005242.3(PKP2):c.1888G>A (p.Val630Met)

Gene: PKP2 (plakophilin 2; minus strand). Cytogenetic location: 12p11.21.
Variant type: single nucleotide variant.
Coding change: c.1888G>A on transcript NM_001005242.3 (MANE Select); coding-DNA position 1888, G replaced by A.
Protein change: p.Val630Met; replaces valine 630 with methionine.
Molecular consequence: missense variant.
Genome position (GRCh38, 1-based): chr12:32,821,481, C>T on the plus strand (G>A on the coding strand, the complement: PKP2 is on the minus strand). VCF-style: chr12-32821481-C-T. GRCh37 (hg19) VCF-style: chr12-32974415-C-T.
Other names: c.1888G>A (NM_001005242.2); c.2020G>A, p.Val674Met (NM_004572.4); short protein forms V674M, V630M.
Identifiers: ClinVar variation 464418 (VCV000464418.41), dbSNP rs143038626, ClinGen allele CA032267.

ClinVar aggregate classification (germline): Conflicting classifications of pathogenicity. Review status: criteria provided, conflicting classifications (1 of 4 stars). 13 submissions from 13 submitters: Uncertain significance (10); Likely benign (3). Last evaluated 2026-08-01.

Conditions:
PKP2-related disorder. Also called: PKP2-related condition.
Cardiovascular phenotype. Identifiers: MedGen CN230736.
Arrhythmogenic right ventricular cardiomyopathy (ARVD). Also called: Arrhythmogenic cardiomyopathy; Cardiomyopathy, ARVC; Arrhythmogenic right ventricular dysplasia; Arrhythmogenic Right Ventricular Cardiomyopathy (ARVC). Identifiers: Orphanet 247, MedGen C0349788, MeSH D019571, MONDO:0016587. Disease mechanism: loss of function. Inheritance: Various modes of inheritance.
Cardiomyopathy (CMYO). Also called: Cardiomyopathies. Identifiers: Orphanet 167848, MedGen C0878544, MONDO:0004994, HP:0001638. Inheritance: Various modes of inheritance.
Arrhythmogenic right ventricular dysplasia 9 (ARVD9). Also called: Arrhythmogenic Right Ventricular Dysplasia/Cardiomyopathy 9; ARRHYTHMOGENIC RIGHT VENTRICULAR DYSPLASIA, FAMILIAL, 9. Identifiers: MedGen C1836906, MONDO:0012180, OMIM 609040.

Allele frequency attached by ClinVar (database versions not stated): ExAC 0.00007; gnomAD 0.00013 and 0.00016; TOPMed 0.00015; ESP Exome Variant Server 0.00023.
gnomAD v4.1: 100 of 1,613,910 alleles (0.0062%); highest among the groups gnomAD compares: African/African-American, 0.055%; no homozygotes.

Submissions (13):

PreventionGenetics, part of Exact Sciences
Classification: Likely benign for PKP2-related condition. Last evaluated: 2026-08-01. Review status: criteria provided, single submitter. Criteria: ACMG Guidelines, 2015. Collection method: clinical testing. Allele origin: germline.
Comment: This variant is classified as likely benign based on ACMG/AMP sequence variant interpretation guidelines (Richards et al. 2015 PMID: 25741868, with internal and published modifications).

Labcorp Genetics (formerly Invitae), Labcorp
Classification: Uncertain significance for Arrhythmogenic right ventricular dysplasia 9. Last evaluated: 2026-01-16. Review status: criteria provided, single submitter. Criteria: Invitae Variant Classification Sherloc (09022015). Collection method: clinical testing. Allele origin: germline.
Comment: This sequence change replaces valine, which is neutral and non-polar, with methionine, which is neutral and non-polar, at codon 674 of the PKP2 protein (p.Val674Met). This variant is present in population databases (rs143038626, gnomAD 0.06%). This variant has not been reported in the literature in individuals affected with PKP2-related conditions. ClinVar contains an entry for this variant (Variation ID: 464418). An algorithm developed to predict the effect of missense changes on protein structure and function (PolyPhen-2) suggests that this variant is likely to be tolerated. In summary, the available evidence is currently insufficient to determine the role of this variant in disease. Therefore, it has been classified as a Variant of Uncertain Significance.

Molecular Diagnostic Laboratory for Inherited Cardiovascular Disease, Montreal Heart Institute
Classification: Likely benign. Last evaluated: 2025-07-24. Review status: criteria provided, single submitter. Criteria: ACMG Guidelines, 2015. Collection method: clinical testing. Allele origin: germline. Affected: no.
Comment: BS1

Mayo Clinic Laboratories, Mayo Clinic
Classification: Uncertain significance. Last evaluated: 2025-01-24. Review status: criteria provided, single submitter. Criteria: ACMG Guidelines, 2015. Collection method: clinical testing. Allele origin: germline. Observed: 1 variant allele.

All of Us Research Program, National Institutes of Health
Classification: Uncertain significance for Arrhythmogenic right ventricular cardiomyopathy. Last evaluated: 2024-09-23. Review status: criteria provided, single submitter. Criteria: ACMG Guidelines, 2015. Collection method: clinical testing. Allele origin: germline. Inheritance: Autosomal dominant inheritance. Observed: 26 variant alleles, 26 heterozygotes.
Comment: This missense variant replaces valine with methionine at codon 674 of the PKP2 protein. Computational prediction suggests that this variant may not impact protein structure and function (internally defined REVEL score threshold <= 0.5, PMID: 27666373). To our knowledge, functional studies have not been reported for this variant. This variant has not been reported in individuals affected with cardiovascular disorders in the literature. This variant has been identified in 24/282694 chromosomes in the general population by the Genome Aggregation Database (gnomAD). The available evidence is insufficient to determine the role of this variant in disease conclusively. Therefore, this variant is classified as a Variant of Uncertain Significance.

This study involves interpretation of variants in research participants for the purpose of population health screening. Participant phenotype was not available at the time of variant classification. Additional details can be found in publication PMID: 35346344, PMCID: PMC8962531

Ambry Genetics
Classification: Uncertain significance for Cardiovascular phenotype. Last evaluated: 2024-08-27. Review status: criteria provided, single submitter. Criteria: Ambry Variant Classification Scheme 2023. Collection method: clinical testing. Allele origin: germline.

Blueprint Genetics
Classification: Likely benign. Last evaluated: 2024-08-08. Review status: criteria provided, single submitter. Criteria: ACMG Guidelines, 2015. Collection method: clinical testing. Allele origin: germline.

ARUP Laboratories, Molecular Genetics and Genomics, ARUP Laboratories
Classification: Uncertain significance for Arrhythmogenic right ventricular dysplasia 9. Last evaluated: 2024-07-30. Review status: criteria provided, single submitter. Criteria: ARUP Molecular Germline Variant Investigation Process 2024. Collection method: clinical testing. Allele origin: germline.
Comment: The PKP2 c.2020G>A; p.Val674Met variant (rs143038626) is reported in the literature in an individual with juvenile sudden cardiac arrest, although it was not demonstrated to be disease-causing (Girolami 2022). This variant is found in the African population with an allele frequency of 0.05% (13/24,958 alleles) in the Genome Aggregation Database (v2.1.1). Computational analyses are uncertain whether this variant is neutral or deleterious (REVEL: 0.399). Due to limited information, the clinical significance of this variant is uncertain at this time. References: Girolami F et al. Genetic characterization of juvenile sudden cardiac arrest and death in Tuscany: The ToRSADE registry. Front Cardiovasc Med. 2022 Dec 14;9:1080608. PMID: 36588553.

Color Diagnostics, LLC DBA Color Health
Classification: Uncertain significance for Cardiomyopathy. Last evaluated: 2023-12-08. Review status: criteria provided, single submitter. Criteria: ACMG Guidelines, 2015. Collection method: clinical testing. Allele origin: germline.
Comment: This missense variant replaces valine with methionine at codon 674 of the PKP2 protein. Computational prediction suggests that this variant may not impact protein structure and function (internally defined REVEL score threshold <= 0.5, PMID: 27666373). To our knowledge, functional studies have not been reported for this variant. This variant has not been reported in individuals affected with cardiovascular disorders in the literature. This variant has been identified in 24/282694 chromosomes in the general population by the Genome Aggregation Database (gnomAD). The available evidence is insufficient to determine the role of this variant in disease conclusively. Therefore, this variant is classified as a Variant of Uncertain Significance.

GeneDx
Classification: Uncertain significance. Last evaluated: 2023-07-06. Review status: criteria provided, single submitter. Criteria: GeneDx Variant Classification Process June 2021. Collection method: clinical testing. Allele origin: germline. Affected: yes.
Comment: In silico analysis supports that this missense variant does not alter protein structure/function; Has not been previously published as pathogenic or benign to our knowledge

CHEO Genetics Diagnostic Laboratory, Children's Hospital of Eastern Ontario
Classification: Uncertain significance for Cardiomyopathy. Last evaluated: 2021-12-10. Review status: criteria provided, single submitter. Criteria: ACMG Guidelines, 2015. Collection method: clinical testing. Allele origin: germline.

Laboratory for Molecular Medicine, Mass General Brigham Personalized Medicine
Classification: Uncertain significance. Last evaluated: 2019-03-08. Review status: criteria provided, single submitter. Criteria: LMM Criteria. Collection method: clinical testing. Allele origin: germline. Observed: 2 variant alleles.
Comment: Variant classified as Uncertain Significance - Favor Benign. The p.Val674Met variant in PKP2 has not been previously reported in individuals with cardiomyopathy but has been reported by other clinical laboratories in ClinVar (Variation ID 464418). In addition, it has been identified in 0.05% (13/24958) of African chromosomes by gnomAD. Computational prediction tools and conservation analysis do not provide evidence for or against impact to the protein. In summary, while the clinical significance of the p.Val674Met variant is uncertain, its frequency in the general population suggests that it is more likely to be benign. ACMG/AMP Criteria applied: BS1_supporting.

Illumina Laboratory Services, Illumina
Classification: Uncertain significance for Arrhythmogenic right ventricular dysplasia 9. Last evaluated: 2018-01-12. Review status: criteria provided, single submitter. Criteria: ICSL Variant Classification Criteria 13 December 2019. Collection method: clinical testing. Allele origin: germline.